The following is an entry in ClinVar:

ClinVar aggregate classification (germline): Uncertain significance (1 of 4 stars; one submission).

Conditions:
Progressive sclerosing poliodystrophy (MTDPS4A). Also called: ALPERS PROGRESSIVE INFANTILE POLIODYSTROPHY; Alpers-Huttenlocher Syndrome (AHS); NEURONAL DEGENERATION OF CHILDHOOD WITH LIVER DISEASE, PROGRESSIVE; Mitochondrial DNA depletion syndrome 4A (Alpers type); Mitochondrial DNA Depletion Syndrome 4A; Alpers Syndrome. Identifiers: Orphanet 726, MedGen C0205710, MONDO:0008758, OMIM 203700.

Submission:

Labcorp Genetics (formerly Invitae), Labcorp
Classification: Uncertain significance for Progressive sclerosing poliodystrophy. Last evaluated: 2022-07-22. Review status: criteria provided, single submitter. Criteria: Invitae Variant Classification Sherloc (09022015). Collection method: clinical testing. Allele origin: germline.
Comment: This sequence change replaces glutamine, which is neutral and polar, with histidine, which is basic and polar, at codon 976 of the POLG protein (p.Gln976His). This variant is not present in population databases (gnomAD no frequency). This variant has not been reported in the literature in individuals affected with POLG-related conditions. Algorithms developed to predict the effect of missense changes on protein structure and function are either unavailable or do not agree on the potential impact of this missense change (SIFT: "Tolerated"; PolyPhen-2: "Possibly Damaging"; Align-GVGD: "Class C0"). In summary, the available evidence is currently insufficient to determine the role of this variant in disease. Therefore, it has been classified as a Variant of Uncertain Significance.

NM_002693.3(POLG):c.2928G>C (p.Gln976His)

Gene: POLG (DNA polymerase gamma, catalytic subunit; minus strand). Cytogenetic location: 15q26.1.
Variant type: single nucleotide variant.
Coding change: c.2928G>C on transcript NM_002693.3 (MANE Select); coding-DNA position 2928, G replaced by C.
Protein change: p.Gln976His; replaces glutamine 976 with histidine.
Molecular consequence: missense variant.
Genome position (GRCh38, 1-based): chr15:89,320,819, C>G on the plus strand (G>C on the coding strand, the complement: POLG is on the minus strand). VCF-style: chr15-89320819-C-G. GRCh37 (hg19) VCF-style: chr15-89864050-C-G.
Other names: c.2928G>C, p.Gln976His (NM_001126131.2); short protein forms Q976H.
Identifiers: ClinVar variation 1713299 (VCV001713299.6), dbSNP rs1361750141, ClinGen allele CA393752303.
Genomic context (GRCh38, chr15:89,320,819, plus strand): 5'-CCCTCACCAGCGGAGGCCCTTGGTGGCAGCGTACATCTGCTGGGCCTTCTCAGCTGCCTC[C>G]TGCTGTGTGAGCCGGTGGTTAAACTGCATTAGTAAGCGCTCAGCAAAGGGCTGCCCAGCA-3'
Protein context (NP_002684.1, residues 966-986): LMQFNHRLTQ[Gln976His]EAAEKAQQMY